The following is an entry in ClinVar:

NM_001024630.4(RUNX2):c.*599T>G

Gene: RUNX2 (RUNX family transcription factor 2; plus strand). Cytogenetic location: 6p21.1.
Variant type: single nucleotide variant.
Coding change: c.*599T>G on transcript NM_001024630.4 (MANE Select); 599 bases downstream of the stop codon, T replaced by G.
Molecular consequence: 3 prime UTR variant.
Genome position (GRCh38, 1-based): chr6:45,547,904, T>G. VCF-style: chr6-45547904-T-G. GRCh37 (hg19) VCF-style: chr6-45515641-T-G.
Other names: c.*599T>G (NM_001015051.4, NM_001278478.2, NM_001369405.1).
Identifiers: ClinVar variation 357103 (VCV000357103.5), dbSNP rs45585135, ClinGen allele CA10626955.

ClinVar aggregate classification (germline): Benign (1 of 4 stars; one submission).

Conditions:
Cleidocranial dysostosis (CLCD1). Also called: cleidocranial dysplasia 1; Marie-Sainton disease; Cleidocranial Dysplasia Spectrum Disorder. Identifiers: Orphanet 1452, MedGen C0008928, MONDO:0007340, OMIM 119600.

Allele frequency attached by ClinVar (database versions not stated): gnomAD exomes 0.09322; gnomAD 0.10099 and 0.10382; 1000 Genomes Project 30x 0.10743; 1000 Genomes Project 0.11562.

Submission:

Illumina Laboratory Services, Illumina
Classification: Benign for Cleidocranial dysostosis. Last evaluated: 2018-01-13. Review status: criteria provided, single submitter. Criteria: ICSL Variant Classification Criteria 13 December 2019. Collection method: clinical testing. Allele origin: germline.
Comment: This variant was observed in the ICSL laboratory as part of a predisposition screen in an ostensibly healthy population. It had not been previously curated by ICSL or reported in the Human Gene Mutation Database (HGMD: prior to June 1st, 2018), and was therefore a candidate for classification through an automated scoring system. Utilizing variant allele frequency, disease prevalence and penetrance estimates, and inheritance mode, an automated score was calculated to assess if this variant is too frequent to cause the disease. Based on the score and internal cut-off values, a variant classified as benign is not then subjected to further curation. The score for this variant resulted in a classification of benign for this disease.